The following is an entry in ClinVar:

NM_024529.5(CDC73):c.999G>T (p.Gln333His)

Gene: CDC73 (cell division cycle 73; plus strand). Cytogenetic location: 1q31.2.
Variant type: single nucleotide variant.
Coding change: c.999G>T on transcript NM_024529.5 (MANE Select); coding-DNA position 999, G replaced by T.
Protein change: p.Gln333His; replaces glutamine 333 with histidine.
Molecular consequence: missense variant.
Genome position (GRCh38, 1-based): chr1:193,203,821, G>T. VCF-style: chr1-193203821-G-T. GRCh37 (hg19) VCF-style: chr1-193172951-G-T.
Other names: short protein forms Q333H.
Identifiers: ClinVar variation 1768864 (VCV001768864.2), dbSNP rs2527440135, ClinGen allele CA344076132.

ClinVar aggregate classification (germline): Uncertain significance (1 of 4 stars; one submission).

Conditions:
Hereditary cancer-predisposing syndrome. Also called: Hereditary Cancer Syndrome; Hereditary neoplastic syndrome; Neoplastic Syndromes, Hereditary; Tumor predisposition. Identifiers: Orphanet 140162, MedGen C0027672, MeSH D009386, MONDO:0015356.

Submission:

Ambry Genetics
Classification: Uncertain significance for Hereditary cancer-predisposing syndrome. Last evaluated: 2022-02-05. Review status: criteria provided, single submitter. Criteria: Ambry Variant Classification Scheme 2023. Collection method: clinical testing. Allele origin: germline.
Comment: The p.Q333H variant (also known as c.999G>T), located in coding exon 11 of the CDC73 gene, results from a G to T substitution at nucleotide position 999. The glutamine at codon 333 is replaced by histidine, an amino acid with highly similar properties. This amino acid position is conserved. In addition, the in silico prediction for this alteration is inconclusive. Since supporting evidence is limited at this time, the clinical significance of this alteration remains unclear.